The following is an entry in ClinVar:

ClinVar aggregate classification (germline): Uncertain significance. Review status: criteria provided, multiple submitters, no conflicts (2 of 4 stars). 2 submissions from 2 submitters: Uncertain significance (2). Last evaluated 2026-05-26.

Conditions:
Inborn genetic diseases. Identifiers: MedGen C0950123, MeSH D030342.

Allele frequency attached by ClinVar (database versions not stated): gnomAD 0.00001; TOPMed 0.00001.
gnomAD v4.1: 17 of 1,204,825 alleles (0.0014%); highest among the groups gnomAD compares: African/African-American, 0.0017%; no homozygotes.

Submissions (2):

Ambry Genetics
Classification: Uncertain significance for Inborn genetic diseases. Last evaluated: 2026-05-26. Review status: criteria provided, single submitter. Criteria: Ambry Variant Classification Scheme 2023. Collection method: clinical testing. Allele origin: germline.

CeGaT Center for Human Genetics Tuebingen
Classification: Uncertain significance. Last evaluated: 2023-11-01. Review status: criteria provided, single submitter. Criteria: CeGaT Center For Human Genetics Tuebingen Variant Classification Criteria Version 2. Collection method: clinical testing. Allele origin: germline. Affected: yes. Observed: 1 variant allele.
Comment: ATP2B3: PM2, BP4

NM_001001344.3(ATP2B3):c.148G>A (p.Glu50Lys)

Gene: ATP2B3 (ATPase plasma membrane Ca2+ transporting 3; plus strand). Cytogenetic location: Xq28.
Variant type: single nucleotide variant.
Coding change: c.148G>A on transcript NM_001001344.3 (MANE Select); coding-DNA position 148, G replaced by A.
Protein change: p.Glu50Lys; replaces glutamic acid 50 with lysine.
Molecular consequence: missense variant.
Genome position (GRCh38, 1-based): chrX:153,536,395, G>A. VCF-style: chrX-153536395-G-A. GRCh37 (hg19) VCF-style: chrX-152801853-G-A.
Other names: c.148G>A, p.Glu50Lys (NM_001388360.1, NM_001388361.1, NM_001388362.1 and 2 more transcripts); c.148G>A (NM_001001344.2); short protein forms E50K.
Identifiers: ClinVar variation 2673266 (VCV002673266.24), dbSNP rs1379952932, ClinGen allele CA415073256.
Genomic context (GRCh38, chrX:153,536,395, plus strand): 5'-ACGCTGGCGGAGCTGCGCACCCTCATGGAGCTGCGAGGGGCCGAGGCGCTGCAGAAGATC[G>A]AGGAGGCCTACGGGGATGTCAGCGGGCTCTGCCGGAGGCTGAAGACCTCACCCACAGAGG-3'
Protein context (NP_001001344.1, residues 40-60): LRGAEALQKI[Glu50Lys]EAYGDVSGLC